The following is an entry in ClinVar:

NM_001080476.3(GRXCR1):c.181C>T (p.Gln61Ter)

Gene: GRXCR1 (glutaredoxin and cysteine rich domain containing 1; plus strand). Cytogenetic location: 4p13.
Variant type: single nucleotide variant.
Coding change: c.181C>T on transcript NM_001080476.3 (MANE Select); coding-DNA position 181, C replaced by T.
Protein change: p.Gln61Ter; replaces glutamine 61 with a stop codon.
Molecular consequence: nonsense.
Genome position (GRCh38, 1-based): chr4:42,893,447, C>T. VCF-style: chr4-42893447-C-T. GRCh37 (hg19) VCF-style: chr4-42895464-C-T.
Other names: short protein forms Q61*.
Identifiers: ClinVar variation 3601164 (VCV003601164.1).

ClinVar aggregate classification (germline): Pathogenic (1 of 4 stars; one submission).

Conditions:
Autosomal recessive nonsyndromic hearing loss 25. Identifiers: Orphanet 90636, MedGen C1414017, MONDO:0013210, OMIM 613285.

gnomAD v4.1: 2 of 1,613,810 alleles (0.00012%); highest among the groups gnomAD compares: Non-Finnish European, 0.00017%; no homozygotes.

Submission:

Institute of Rare Diseases, West China Hospital, Sichuan University
Classification: Pathogenic for Autosomal recessive nonsyndromic hearing loss 25. Last evaluated: 2025-01-09. Review status: criteria provided, single submitter. Criteria: ClinGen HL ACMG Specifications v1. Collection method: research. Allele origin: germline. Affected: yes.
Comment: PVS1;PM3_Supporting;PM2_Supporting